The following is an entry in ClinVar:

NM_031483.7(ITCH):c.1210+51C>T

Gene: ITCH (itchy E3 ubiquitin protein ligase; plus strand). Cytogenetic location: 20q11.22.
Variant type: single nucleotide variant.
Coding change: c.1210+51C>T on transcript NM_031483.7 (MANE Select); 51 bases into the intron after coding-DNA position 1210, C replaced by T.
Molecular consequence: intron variant.
Genome position (GRCh38, 1-based): chr20:34,449,531, C>T. VCF-style: chr20-34449531-C-T. GRCh37 (hg19) VCF-style: chr20-33037336-C-T.
Other names: c.1333+51C>T (NM_001324197.2, NM_001257137.3); c.1210+51C>T (NM_001324198.2); c.880+51C>T (NM_001257138.3).
Identifiers: ClinVar variation 2628156 (VCV002628156.2), dbSNP rs3736762, ClinGen allele CA9821595.

ClinVar aggregate classification (germline): Benign (1 of 4 stars; one submission).

Allele frequency attached by ClinVar (database versions not stated): 1000 Genomes Project 30x 0.39147; 1000 Genomes Project 0.39317; TOPMed 0.42637; gnomAD 0.44735; ESP Exome Variant Server 0.45617; ExAC 0.46302; gnomAD exomes 0.48740.
gnomAD v4.1: 575,808 of 1,193,640 alleles (48%); highest among the groups gnomAD compares: Middle Eastern, 54%; 143,032 homozygotes.

Submission:

Unidad de Genómica Garrahan, Hospital de Pediatría Garrahan
Classification: Benign. Last evaluated: 2023-11-12. Review status: criteria provided, single submitter. Criteria: ACMG Guidelines, 2015. Collection method: clinical testing. Allele origin: germline. Affected: no. Observed: 53 variant alleles.
Comment: This variant is classified as Benign based on local population frequency. This variant was detected in 55% of patients studied by a panel of primary immunodeficiencies. Number of patients: 53. Only high quality variants are reported.